The following is an entry in ClinVar:

ClinVar aggregate classification (germline): Conflicting classifications of pathogenicity. Review status: criteria provided, conflicting classifications (1 of 4 stars). 5 submissions from 5 submitters: Uncertain significance (4); Likely benign (1). Last evaluated 2025-04-19.

Conditions:
Inborn genetic diseases. Identifiers: MedGen C0950123, MeSH D030342.
Epidermolysis bullosa simplex with nail dystrophy (EBS5D). Identifiers: MedGen C4225309, MONDO:0014661, OMIM 616487.
Epidermolysis bullosa simplex 5B, with muscular dystrophy (EBS5B). Also called: Epidermolysis bullosa simplex with muscular dystrophy; EPIDERMOLYSIS BULLOSA SIMPLEX AND LIMB-GIRDLE MUSCULAR DYSTROPHY. Identifiers: Orphanet 257, MedGen C2931072, MONDO:0009181, OMIM 226670.
Autosomal recessive limb-girdle muscular dystrophy type 2Q (LGMDR17). Also called: MUSCULAR DYSTROPHY, LIMB-GIRDLE, AUTOSOMAL RECESSIVE 17. Identifiers: Orphanet 254361, MedGen C3150989, MONDO:0013390, OMIM 613723.
Epidermolysis bullosa simplex 5C, with pyloric atresia (EBS5C). Also called: PLEC1-Related Epidermolysis Bullosa with Pyloric Atresia; PLEC-Related Epidermolysis Bullosa with Pyloric Atresia; Epidermolysis bullosa simplex with pyloric atresia. Identifiers: Orphanet 158684, MedGen C2677349, MONDO:0012807, OMIM 612138.
Epidermolysis bullosa simplex, Ogna type (EBS5A). Also called: EPIDERMOLYSIS BULLOSA SIMPLEX 5A, OGNA TYPE; Pidermolysis bullosa simplex 5A, Ogna type. Identifiers: Orphanet 79401, MedGen C0432317, MONDO:0007555, OMIM 131950.

Allele frequency attached by ClinVar (database versions not stated): gnomAD 0.00006 and 0.00011; TOPMed 0.00007; 1000 Genomes Project 0.00020; ExAC 0.00022; 1000 Genomes Project 30x 0.00031.
gnomAD v4.1: 181 of 1,595,228 alleles (0.011%); highest among the groups gnomAD compares: South Asian, 0.16%; 4 homozygotes.

Submissions (5):

Labcorp Genetics (formerly Invitae), Labcorp
Classification: Uncertain significance for Autosomal recessive limb-girdle muscular dystrophy type 2Q; Epidermolysis bullosa simplex, Ogna type; Epidermolysis bullosa simplex with nail dystrophy; Epidermolysis bullosa simplex 5C, with pyloric atresia; Epidermolysis bullosa simplex 5B, with muscular dystrophy. Last evaluated: 2025-04-19. Review status: criteria provided, single submitter. Criteria: Invitae Variant Classification Sherloc (09022015). Collection method: clinical testing. Allele origin: germline.
Comment: This sequence change replaces arginine, which is basic and polar, with glutamine, which is neutral and polar, at codon 1874 of the PLEC protein (p.Arg1874Gln). This variant is present in population databases (rs577374823, gnomAD 0.1%). This variant has not been reported in the literature in individuals affected with PLEC-related conditions. ClinVar contains an entry for this variant (Variation ID: 196743). Experimental studies and prediction algorithms are not available or were not evaluated, and the functional significance of this variant is currently unknown. In summary, the available evidence is currently insufficient to determine the role of this variant in disease. Therefore, it has been classified as a Variant of Uncertain Significance.

Blueprint Genetics
Classification: Likely benign. Last evaluated: 2024-02-23. Review status: criteria provided, single submitter. Criteria: ACMG Guidelines, 2015. Collection method: clinical testing. Allele origin: germline.

Ambry Genetics
Classification: Uncertain significance for Inborn genetic diseases. Last evaluated: 2022-12-05. Review status: criteria provided, single submitter. Criteria: Ambry Variant Classification Scheme 2023. Collection method: clinical testing. Allele origin: germline.

Genetic Services Laboratory, University of Chicago
Classification: Uncertain significance. Last evaluated: 2016-06-01. Review status: criteria provided, single submitter. Criteria: ACMG Guidelines, 2015. Collection method: clinical testing. Allele origin: germline. Affected: no.

Eurofins Ntd Llc (ga)
Classification: Uncertain significance. Last evaluated: 2015-08-31. Review status: criteria provided, single submitter. Criteria: EGL Classification Definitions 2015. Collection method: clinical testing. Allele origin: germline. Observed: 1 variant allele, 1 heterozygote.

NM_201384.3(PLEC):c.5540G>A (p.Arg1847Gln)

Gene: PLEC (plectin; minus strand). Cytogenetic location: 8q24.3.
Variant type: single nucleotide variant.
Coding change: c.5540G>A on transcript NM_201384.3 (MANE Select); coding-DNA position 5540, G replaced by A.
Protein change: p.Arg1847Gln; replaces arginine 1847 with glutamine.
Molecular consequence: missense variant.
Genome position (GRCh38, 1-based): chr8:143,924,389, C>T on the plus strand (G>A on the coding strand, the complement: PLEC is on the minus strand). VCF-style: chr8-143924389-C-T. GRCh37 (hg19) VCF-style: chr8-144998557-C-T.
Other names: c.5621G>A, p.Arg1874Gln (NM_000445.5); c.5498G>A, p.Arg1833Gln (NM_201378.4); c.5474G>A, p.Arg1825Gln (NM_201379.3); c.5951G>A, p.Arg1984Gln (NM_201380.4); c.5444G>A, p.Arg1815Gln (NM_201381.3); c.5540G>A, p.Arg1847Gln (NM_201382.4); c.5552G>A, p.Arg1851Gln (NM_201383.3); short protein forms R1815Q, R1825Q, R1833Q, R1847Q, R1851Q, R1874Q, R1984Q.
Identifiers: ClinVar variation 196743 (VCV000196743.18), dbSNP rs577374823, ClinGen allele CA243921.